The following is an entry in ClinVar:

ClinVar aggregate classification (germline): Uncertain significance (1 of 4 stars; one submission).

Conditions:
Pontocerebellar hypoplasia type 1B. Also called: EXOSC3 Pontocerebellar Hypoplasia. Identifiers: Orphanet 2254, MedGen C3553449, MONDO:0013853, OMIM 614678.

Submission:

Labcorp Genetics (formerly Invitae), Labcorp
Classification: Uncertain significance for Pontocerebellar hypoplasia type 1B. Last evaluated: 2021-12-02. Review status: criteria provided, single submitter. Criteria: Invitae Variant Classification Sherloc (09022015). Collection method: clinical testing. Allele origin: germline.
Comment: This variant is not present in population databases (gnomAD no frequency). This sequence change replaces alanine, which is neutral and non-polar, with glycine, which is neutral and non-polar, at codon 123 of the EXOSC3 protein (p.Ala123Gly). This variant has not been reported in the literature in individuals affected with EXOSC3-related conditions. In summary, the available evidence is currently insufficient to determine the role of this variant in disease. Therefore, it has been classified as a Variant of Uncertain Significance. Algorithms developed to predict the effect of sequence changes on RNA splicing suggest that this variant may create or strengthen a splice site. Algorithms developed to predict the effect of missense changes on protein structure and function (SIFT, PolyPhen-2, Align-GVGD) all suggest that this variant is likely to be tolerated.

NM_016042.4(EXOSC3):c.368C>G (p.Ala123Gly)

Gene: EXOSC3 (exosome component 3; minus strand). Cytogenetic location: 9p13.2.
Variant type: single nucleotide variant.
Coding change: c.368C>G on transcript NM_016042.4 (MANE Select); coding-DNA position 368, C replaced by G.
Protein change: p.Ala123Gly; replaces alanine 123 with glycine.
Molecular consequence: missense variant.
Genome position (GRCh38, 1-based): chr9:37,784,020, G>C on the plus strand (C>G on the coding strand, the complement: EXOSC3 is on the minus strand). VCF-style: chr9-37784020-G-C. GRCh37 (hg19) VCF-style: chr9-37784017-G-C.
Other names: c.368C>G, p.Ala123Gly (NM_001002269.2); short protein forms A123G.
Identifiers: ClinVar variation 1346684 (VCV001346684.8), dbSNP rs2118980284, ClinGen allele CA373475499.